The following is an entry in ClinVar:

NM_004863.4(SPTLC2):c.483-6G>T

Gene: SPTLC2 (serine palmitoyltransferase long chain base subunit 2; minus strand). Cytogenetic location: 14q24.3.
Variant type: single nucleotide variant.
Coding change: c.483-6G>T on transcript NM_004863.4 (MANE Select); 6 bases into the intron before coding-DNA position 483, G replaced by T.
Molecular consequence: intron variant.
Genome position (GRCh38, 1-based): chr14:77,576,921, C>A on the plus strand (G>T on the coding strand, the complement: SPTLC2 is on the minus strand). VCF-style: chr14-77576921-C-A. GRCh37 (hg19) VCF-style: chr14-78043264-C-A.
Identifiers: ClinVar variation 510794 (VCV000510794.4), dbSNP rs991080462, ClinGen allele CA263840970.
Genomic context (GRCh38, chr14:77,576,921, plus strand): 5'-AAGATAGTTGTAGGAACCCATGTTTATAACACCCTTTATTATATTCCCTGTATACCTGTG[C>A]ATCAATAGCATAAAACAATGAAACTCATGAGCAAAAAAGTACTTACATGTAATATTAAAT-3'

ClinVar aggregate classification (germline): Likely benign. Review status: criteria provided, multiple submitters, no conflicts (2 of 4 stars). 2 submissions from 2 submitters: Likely benign (2). Last evaluated 2024-01-24.

Conditions:
Neuropathy, hereditary sensory and autonomic, type 1C. Also called: HSAN IC; HSN IC. Identifiers: Orphanet 36386, MedGen C3150896, MONDO:0013337, OMIM 613640.

Allele frequency attached by ClinVar (database versions not stated): gnomAD exomes below 0.00001; TOPMed 0.00003.
gnomAD v4.1: 4 of 1,613,924 alleles (0.00025%); highest among the groups gnomAD compares: African/African-American, 0.0027%; no homozygotes.

Submissions (2):

Labcorp Genetics (formerly Invitae), Labcorp
Classification: Likely benign for Neuropathy, hereditary sensory and autonomic, type 1C. Last evaluated: 2024-01-24. Review status: criteria provided, single submitter. Criteria: Invitae Variant Classification Sherloc (09022015). Collection method: clinical testing. Allele origin: germline.

GeneDx
Classification: Likely benign. Last evaluated: 2017-07-10. Review status: criteria provided, single submitter. Criteria: GeneDx Variant Classification (06012015). Collection method: clinical testing. Allele origin: germline. Affected: yes.
Comment: This variant is considered likely benign or benign based on one or more of the following criteria: it is a conservative change, it occurs at a poorly conserved position in the protein, it is predicted to be benign by multiple in silico algorithms, and/or has population frequency not consistent with disease.